The following is an entry in ClinVar:

ClinVar aggregate classification (germline): Uncertain significance (1 of 4 stars; one submission).

Conditions:
Primary ciliary dyskinesia. Also called: Ciliary dyskinesia. Identifiers: Orphanet 244, MedGen C0008780, MONDO:0016575, HP:0012265.

Allele frequency attached by ClinVar (database versions not stated): ExAC 0.00001.

Submission:

Labcorp Genetics (formerly Invitae), Labcorp
Classification: Uncertain significance for Primary ciliary dyskinesia. Last evaluated: 2022-04-14. Review status: criteria provided, single submitter. Criteria: Invitae Variant Classification Sherloc (09022015). Collection method: clinical testing. Allele origin: germline.
Comment: In summary, the available evidence is currently insufficient to determine the role of this variant in disease. Therefore, it has been classified as a Variant of Uncertain Significance. Algorithms developed to predict the effect of missense changes on protein structure and function are either unavailable or do not agree on the potential impact of this missense change (SIFT: "Deleterious"; PolyPhen-2: "Benign"; Align-GVGD: "Class C0"). This variant has not been reported in the literature in individuals affected with RPGR-related conditions. This variant is not present in population databases (gnomAD no frequency). This sequence change replaces glutamine, which is neutral and polar, with arginine, which is basic and polar, at codon 227 of the RPGR protein (p.Gln227Arg).

NM_001034853.2(RPGR):c.680A>G (p.Gln227Arg)

Gene: RPGR (retinitis pigmentosa GTPase regulator; minus strand). Cytogenetic location: Xp11.4.
Variant type: single nucleotide variant.
Coding change: c.680A>G on transcript NM_001034853.2 (MANE Select); coding-DNA position 680, A replaced by G.
Protein change: p.Gln227Arg; replaces glutamine 227 with arginine.
Molecular consequence: missense variant. On other transcripts: non-coding transcript variant (6).
Genome position (GRCh38, 1-based): chrX:38,310,713, T>C on the plus strand (A>G on the coding strand, the complement: RPGR is on the minus strand). VCF-style: chrX-38310713-T-C. GRCh37 (hg19) VCF-style: chrX-38169966-T-C.
Other names: c.680A>G, p.Gln227Arg (NM_000328.3, NM_001367246.1, NM_001367247.1 and 1 more transcripts); c.677A>G, p.Gln226Arg (NM_001367245.1, NM_001367249.1, NM_001367250.1); c.710A>G, p.Gln237Arg (NM_001367248.1); short protein forms Q227R, Q226R, Q237R.
Identifiers: ClinVar variation 1374092 (VCV001374092.6), dbSNP rs774988145, ClinGen allele CA10385605.